The following is an entry in ClinVar:

NM_003664.5(AP3B1):c.3254G>A (p.Arg1085Gln)

Gene: AP3B1 (adaptor related protein complex 3 subunit beta 1; minus strand). Cytogenetic location: 5q14.1.
Variant type: single nucleotide variant.
Coding change: c.3254G>A on transcript NM_003664.5 (MANE Select); coding-DNA position 3254, G replaced by A.
Protein change: p.Arg1085Gln; replaces arginine 1085 with glutamine.
Molecular consequence: missense variant.
Genome position (GRCh38, 1-based): chr5:78,002,933, C>T on the plus strand (G>A on the coding strand, the complement: AP3B1 is on the minus strand). VCF-style: chr5-78002933-C-T. GRCh37 (hg19) VCF-style: chr5-77298757-C-T.
Other names: c.3107G>A, p.Arg1036Gln (NM_001271769.2); short protein forms R1085Q, R1036Q.
Identifiers: ClinVar variation 950967 (VCV000950967.8), dbSNP rs151028592, ClinGen allele CA3316523.

ClinVar aggregate classification (germline): Uncertain significance. Review status: criteria provided, multiple submitters, no conflicts (2 of 4 stars). 3 submissions from 3 submitters: Uncertain significance (3). Last evaluated 2022-07-05.

Conditions:
Hermansky-Pudlak syndrome 2 (HPS2). Also called: Platelet defects and oculocutaneous albinism. Identifiers: Orphanet 183678, Orphanet 79430, MedGen C1842362, MONDO:0011997, OMIM 608233.

Allele frequency attached by ClinVar (database versions not stated): gnomAD exomes 0.00002 and 0.00003; TOPMed 0.00002; ExAC 0.00004; gnomAD 0.00004; ESP Exome Variant Server 0.00008.
gnomAD v4.1: 42 of 1,614,028 alleles (0.0026%); highest among the groups gnomAD compares: African/African-American, 0.0093%; no homozygotes.

Submissions (3):

Blueprint Genetics
Classification: Uncertain significance. Last evaluated: 2022-07-05. Review status: criteria provided, single submitter. Criteria: ACMG Guidelines, 2015. Collection method: clinical testing. Allele origin: germline.

Center for Genomics, Ann and Robert H. Lurie Children's Hospital of Chicago
Classification: Uncertain significance for Hermansky-Pudlak syndrome 2. Last evaluated: 2022-01-28. Review status: criteria provided, single submitter. Criteria: ACMG Guidelines, 2015. Collection method: clinical testing. Allele origin: germline.
Comment: This variant has not been reported in the literature but is present in 0.007% (3/41434) African/African American alleles in the Genome Aggregation Database. It is also present in ClinVar (Variation ID:950967). This variant amino acid Glutamine (Gln) is present in multiple evolutionarily distant species; this suggests that this variant may not impact the protein. Additional computational prediction tools do not suggest an impact. Of note, splice prediction tools suggest that this variant may affect splicing. However, further studies are needed to understand its impact. In summary, data on this variant is insufficient for disease classification. Therefore, the clinical significance of this variant is uncertain.

Labcorp Genetics (formerly Invitae), Labcorp
Classification: Uncertain significance for Hermansky-Pudlak syndrome 2. Last evaluated: 2021-08-31. Review status: criteria provided, single submitter. Criteria: Invitae Variant Classification Sherloc (09022015). Collection method: clinical testing. Allele origin: germline.
Comment: This sequence change replaces arginine with glutamine at codon 1085 of the AP3B1 protein (p.Arg1085Gln). The arginine residue is moderately conserved and there is a small physicochemical difference between arginine and glutamine. This variant is present in population databases (rs151028592, ExAC 0.009%). This variant has not been reported in the literature in individuals affected with AP3B1-related conditions. Algorithms developed to predict the effect of missense changes on protein structure and function (SIFT, PolyPhen-2, Align-GVGD) all suggest that this variant is likely to be tolerated. Algorithms developed to predict the effect of sequence changes on RNA splicing suggest that this variant may create or strengthen a splice site. In summary, the available evidence is currently insufficient to determine the role of this variant in disease. Therefore, it has been classified as a Variant of Uncertain Significance.